The following is an entry in ClinVar:

NM_004369.4(COL6A3):c.9493+8A>T

Genes: COL6A3 (collagen type VI alpha 3 chain; minus strand), LOC126806573 (CDK7 strongly-dependent group 2 enhancer GRCh37_chr2:238233151-238234350; plus strand). Cytogenetic location: 2q37.3.
Variant type: single nucleotide variant.
Coding change: c.9493+8A>T on transcript NM_004369.4 (MANE Select); 8 bases into the intron after coding-DNA position 9493, A replaced by T.
Molecular consequence: intron variant.
Genome position (GRCh38, 1-based): chr2:237,325,552, T>A on the plus strand (A>T on the coding strand, the complement: COL6A3 is on the minus strand). VCF-style: chr2-237325552-T-A. GRCh37 (hg19) VCF-style: chr2-238234195-T-A.
Other names: c.7672+8A>T (NM_057166.5); c.8875+8A>T (NM_057167.4).
Identifiers: ClinVar variation 3053937 (VCV003053937.3), dbSNP rs536456690, ClinGen allele CA2187262.

ClinVar aggregate classification (germline): Likely benign. Review status: criteria provided, single submitter (1 of 4 stars). 2 submissions from 2 submitters: Likely benign (1). 1 of the submissions does not count toward it. Last evaluated 2025-09-06.

Conditions:
Bethlem myopathy 1A. Also called: MYOPATHY, BENIGN CONGENITAL, WITH CONTRACTURES; Bethlem myopathy 1; Bethlem Muscular Dystrophy. Identifiers: Orphanet 610, MedGen CN029274, MONDO:0024530, OMIM 158810.
COL6A3-related disorder. Also called: COL6A3-related disorders; COL6A3-related condition.

Allele frequency attached by ClinVar (database versions not stated): ExAC 0.00002; gnomAD 0.00003; TOPMed 0.00004; 1000 Genomes Project 30x 0.00016; 1000 Genomes Project 0.00020.
gnomAD v4.1: 20 of 1,614,146 alleles (0.0012%); highest among the groups gnomAD compares: Middle Eastern, 0.049%; no homozygotes.

Submissions (2):

Labcorp Genetics (formerly Invitae), Labcorp
Classification: Likely benign for Bethlem myopathy 1A. Last evaluated: 2025-09-06. Review status: criteria provided, single submitter. Criteria: Invitae Variant Classification Sherloc (09022015). Collection method: clinical testing. Allele origin: germline.

PreventionGenetics, part of Exact Sciences
Classification: Likely benign for COL6A3-related condition. Last evaluated: 2022-03-28. Review status: no assertion criteria provided. Collection method: clinical testing. Allele origin: germline. Not counted in ClinVar's aggregate classification.
Comment: This variant is classified as likely benign based on ACMG/AMP sequence variant interpretation guidelines (Richards et al. 2015 PMID: 25741868, with internal and published modifications).